The following is an entry in ClinVar:

ClinVar aggregate classification (germline): Pathogenic (1 of 4 stars; one submission).

Conditions:
Peroxisome biogenesis disorder. Identifiers: Orphanet 79189, MedGen C1832200, MONDO:0019234. Disease mechanism: loss of function.

Submission:

Myriad Genetics, Inc.
Classification: Pathogenic for Peroxisome biogenesis disorder. Last evaluated: 2025-09-14. Review status: criteria provided, single submitter. Criteria: Myriad Autosomal Dominant, Autosomal Recessive and X-Linked Classification Criteria (2023). Collection method: clinical testing. Allele origin: unknown.
Comment: NM_000287.3(PEX6):c.1250dupG(S417Rfs*28) is expected to be pathogenic in the context of peroxisome biogenesis disorder type 4. This variant is predicted to lead to an abnormal or absent protein product due to the creation of a premature termination codon in PEX6, a gene where loss-of-function variants are known to be pathogenic. Please note: this variant was assessed in the context of healthy population screening.

NM_000287.4(PEX6):c.1250dup (p.Ser417fs)

Gene: PEX6 (peroxisomal biogenesis factor 6; minus strand). Cytogenetic location: 6p21.1.
Variant type: Duplication.
Coding change: c.1250dup on transcript NM_000287.4 (MANE Select); coding-DNA position 1250, one base duplicated (G; older notation c.1250dupG).
Protein change: p.Ser417fs; shifts the reading frame from serine 417.
Molecular consequence: frameshift variant. On other transcripts: non-coding transcript variant (1).
Genome position (GRCh38, 1-based): chr6:42,969,785, C duplicated on the plus strand (G on the coding strand, the reverse complement: PEX6 is on the minus strand). VCF-style (leftmost placement, unchanged base first): chr6-42969784-G-GC. GRCh37 (hg19) VCF-style: chr6-42937522-G-GC.
Other names: c.986dup, p.Ser329fs (NM_001316313.2); short protein forms S329fs, S417fs.
Identifiers: ClinVar variation 5014976 (VCV005014976.1).